The following is an entry in ClinVar:

NM_001042492.3(NF1):c.6921+1G>A

Gene: NF1 (neurofibromin 1; plus strand). Cytogenetic location: 17q11.2.
Variant type: single nucleotide variant.
Coding change: c.6921+1G>A on transcript NM_001042492.3 (MANE Select); the canonical splice donor site of the intron after coding-DNA position 6921, G replaced by A.
Molecular consequence: splice donor variant.
Genome position (GRCh38, 1-based): chr17:31,338,806, G>A. VCF-style: chr17-31338806-G-A. GRCh37 (hg19) VCF-style: chr17-29665824-G-A.
Other names: c.6858+1G>A (NM_000267.4).
Identifiers: ClinVar variation 404571 (VCV000404571.17), dbSNP rs1060500355, ClinGen allele CA16615312.
Genomic context (GRCh38, chr17:31,338,806, plus strand): 5'-CAAGTTCTGATAGAAGCTACAGTAATAGCACTAACCAAATTACAGCCACTTCTTAATAAG[G>A]TAATTACTGTATAGAAAATGAGTGCATTCATTTTGGGTATCAGTGTTGAATGTTACTTTC-3'

ClinVar aggregate classification (germline): Pathogenic/Likely pathogenic. Review status: criteria provided, multiple submitters, no conflicts (2 of 4 stars). 9 submissions from 9 submitters: Pathogenic (6); Likely pathogenic (1). 2 of the submissions do not count toward it. Last evaluated 2026-03-27.

Conditions:
Cardiovascular phenotype. Identifiers: MedGen CN230736.
Hereditary cancer-predisposing syndrome. Also called: Neoplastic Syndromes, Hereditary; Tumor predisposition; Hereditary Cancer Syndrome; Hereditary neoplastic syndrome. Identifiers: Orphanet 140162, MedGen C0027672, MeSH D009386, MONDO:0015356.
NF1-related disorder. Also called: NF1-related condition. Identifiers: MedGen CN379171.
Neurofibromatosis, type 1 (NF1). Also called: VON RECKLINGHAUSEN DISEASE; NEUROFIBROMATOSIS, TYPE I, SOMATIC; Peripheral type neurofibromatosis; Neurofibromatosis, type I. Identifiers: Orphanet 636, MedGen C0027831, MONDO:0018975, OMIM 162200. Disease mechanism: loss of function.

Submissions (9):

Myriad Genetics, Inc.
Classification: Likely pathogenic for Neurofibromatosis, type 1. Last evaluated: 2026-03-27. Review status: criteria provided, single submitter. Criteria: Myriad Autosomal Dominant, Autosomal Recessive and X-Linked Classification Criteria (2023). Collection method: clinical testing. Allele origin: unknown.
Comment: This variant is considered likely pathogenic. This variant occurs within a consensus splice junction and is predicted to result in abnormal mRNA splicing of either an out-of-frame exon or an in-frame exon necessary for protein stability and/or normal function.

Labcorp Genetics (formerly Invitae), Labcorp
Classification: Pathogenic for Neurofibromatosis, type 1. Last evaluated: 2025-10-26. Review status: criteria provided, single submitter. Criteria: Invitae Variant Classification Sherloc (09022015). Collection method: clinical testing. Allele origin: germline.
Comment: This sequence change affects a donor splice site in intron 45 of the NF1 gene. It is expected to disrupt RNA splicing. Variants that disrupt the donor or acceptor splice site typically lead to a loss of protein function (PMID: 16199547), and loss-of-function variants in NF1 are known to be pathogenic (PMID: 10712197, 23913538). This variant is not present in population databases (gnomAD no frequency). Disruption of this splice site has been observed in individuals with neurofibromatosis type 1 (PMID: 10607834, 11735023, 11857752, 17426081). Invitae Evidence Modeling of clinical and family history, age, sex, and reported ancestry of multiple individuals with this NF1 variant has been performed. This variant is expected to be pathogenic with a positive predictive value of at least 99%. This is a validated machine learning model that incorporates the clinical features of 1,785,918 individuals referred to our laboratory for NF1 testing. ClinVar contains an entry for this variant (Variation ID: 404571). Algorithms developed to predict the effect of sequence changes on RNA splicing suggest that this variant may disrupt the consensus splice site. For these reasons, this variant has been classified as Pathogenic.

GeneDx
Classification: Pathogenic. Last evaluated: 2025-03-04. Review status: criteria provided, single submitter. Criteria: GeneDx Variant Classification Process June 2021. Collection method: clinical testing. Allele origin: germline. Affected: yes.
Comment: Canonical splice site variant predicted to result in an in-frame deletion of a critical region; Deletions involving coding exons in this gene are frequently reported as pathogenic, regardless of frame prediction (HGMD); Not observed at significant frequency in large population cohorts (gnomAD); Also known as IVS37+1G>A; This variant is associated with the following publications: (PMID: 25525159, 11735023, 21520333, 24232412, 24789688, 17120035)

Genome-Nilou Lab
Classification: Pathogenic for Neurofibromatosis, type 1. Last evaluated: 2022-03-15. Review status: criteria provided, single submitter. Criteria: ACMG Guidelines, 2015. Collection method: clinical testing. Allele origin: germline. Affected: no.

Blueprint Genetics
Classification: Pathogenic for NF1-related disorders. Last evaluated: 2021-05-03. Review status: criteria provided, single submitter. Criteria: ACMG Guidelines, 2015. Collection method: clinical testing. Allele origin: germline. Affected: yes. Observed: 2 variant alleles.

Department of Molecular Diagnostics, Institute of Oncology Ljubljana
Classification: Pathogenic for Neurofibromatosis, type 1. Last evaluated: 2020-04-02. Review status: criteria provided, single submitter. Criteria: ACMG Guidelines, 2015. Collection method: clinical testing. Allele origin: germline. Affected: yes.

Ambry Genetics
Classification: Pathogenic for Cardiovascular phenotype; Hereditary cancer-predisposing syndrome. Last evaluated: 2019-03-20. Review status: criteria provided, single submitter. Criteria: Ambry Variant Classification Scheme 2023. Collection method: clinical testing. Allele origin: germline.
Comment: The c.6858+1G>A intronic pathogenic mutation results from a G to A substitution one nucleotide after coding exon 45 of the NF1 gene. This mutation was identified in an individual with a clinical diagnosis of neurofibromatosis type 1 (Han SS et al. Hum. Genet., 2001 Nov;109:487-97). Two disease-causing mutations, c.6858+1G>T and c.6858+1G>C, have been described at the same position (Kluwe L et al. Hum. Mutat., 2002 Mar;19:309; Wimmer K et al. Hum. Mutat., 2007 Jun;28:599-612). In addition to the clinical data presented in the literature, alterations that disrupt the canonical splice site are expected to cause aberrant splicing, resulting in an abnormal protein or a transcript that is subject to nonsense-mediated mRNA decay. As such, this alteration is classified as a disease-causing mutation.

Medical Genetics, University of Parma
Classification: Likely pathogenic for Neurofibromatosis type 1. Last evaluated: 2017-02-02. Review status: no assertion criteria provided. Collection method: clinical testing. Allele origin: germline. Affected: yes. Not counted in ClinVar's aggregate classification.

Clinical Molecular Genetics Laboratory, Johns Hopkins All Children's Hospital
Classification: Pathogenic for Neurofibromatosis, type 1. Last evaluated: 2016-12-13. Review status: no assertion criteria provided. Collection method: clinical testing. Allele origin: germline. Affected: yes. Not counted in ClinVar's aggregate classification.

Literature cited by the submitters: PubMed 16199547 (cited by Labcorp Genetics (formerly Invitae), Labcorp); PubMed 10712197 (cited by Labcorp Genetics (formerly Invitae), Labcorp); PubMed 23913538 (cited by Labcorp Genetics (formerly Invitae), Labcorp); PubMed 10607834 (cited by Labcorp Genetics (formerly Invitae), Labcorp); PubMed 11735023 (cited by Labcorp Genetics (formerly Invitae), Labcorp); PubMed 11857752 (cited by Labcorp Genetics (formerly Invitae), Labcorp); PubMed 17426081 (cited by Labcorp Genetics (formerly Invitae), Labcorp).